The following is an entry in ClinVar:

NM_004415.4(DSP):c.5014C>G (p.Gln1672Glu)

Gene: DSP (desmoplakin; plus strand). Cytogenetic location: 6p24.3.
Variant type: single nucleotide variant.
Coding change: c.5014C>G on transcript NM_004415.4 (MANE Select); coding-DNA position 5014, C replaced by G.
Protein change: p.Gln1672Glu; replaces glutamine 1672 with glutamic acid.
Molecular consequence: missense variant. On other transcripts: intron variant (2).
Genome position (GRCh38, 1-based): chr6:7,581,204, C>G. VCF-style: chr6-7581204-C-G. GRCh37 (hg19) VCF-style: chr6-7581437-C-G.
Other names: c.4050+964C>G (NM_001319034.2); c.3582+1432C>G (NM_001008844.3); c.5014C>G (LRG_423t1); short protein forms Q1672E.
Identifiers: ClinVar variation 191640 (VCV000191640.9), dbSNP rs786205416, ClinGen allele CA004241.

ClinVar aggregate classification (germline): Uncertain significance. Review status: criteria provided, multiple submitters, no conflicts (2 of 4 stars). 5 submissions from 5 submitters: Uncertain significance (5). Last evaluated 2025-07-02.

Conditions:
Arrhythmogenic cardiomyopathy with wooly hair and keratoderma. Also called: Arrhythmogenic cardiomyopathy with woolly hair and keratoderma; Dilated cardiomyopathy with woolly hair and keratoderma; PALMOPLANTAR KERATODERMA WITH LEFT VENTRICULAR CARDIOMYOPATHY AND WOOLLY HAIR; Carvajal syndrome. Identifiers: Orphanet 65282, MedGen C1854063, MONDO:0011581, OMIM 605676.
Lethal acantholytic epidermolysis bullosa (EBLA). Identifiers: Orphanet 158687, MedGen C1864826, MONDO:0012323, OMIM 609638.
Keratosis palmoplantaris striata 2. Also called: KERATODERMA, PALMOPLANTAR, STRIATE FORM II; STRIATE PALMOPLANTAR KERATODERMA II; Keratosis palmoplantaris striata II. Identifiers: MedGen C1852127, MONDO:0013034, OMIM 612908.
Arrhythmogenic right ventricular dysplasia 8 (ARVD8). Also called: ARRHYTHMOGENIC RIGHT VENTRICULAR DYSPLASIA, FAMILIAL, 8; ARRHYTHMOGENIC RIGHT VENTRICULAR CARDIOMYOPATHY 8; Arrhythmogenic Right Ventricular Dysplasia/Cardiomyopathy 8. Identifiers: MedGen C1843896, MONDO:0011831, OMIM 607450.
Cardiomyopathy, dilated, with wooly hair, keratoderma, and tooth agenesis. Also called: Erythrokeratodermia-cardiomyopathy syndrome; Cardiomyopathy, dilated, with woolly hair, keratoderma, and tooth agenesis. Identifiers: Orphanet 476096, Orphanet 65282, MedGen C4014393, MONDO:0014355, OMIM 615821.
Woolly hair-skin fragility syndrome (WHSF). Identifiers: Orphanet 293165, MedGen C1843292, MONDO:0957307, OMIM 620415.
Cardiomyopathy (CMYO). Also called: Cardiomyopathies. Identifiers: Orphanet 167848, MedGen C0878544, MONDO:0004994, HP:0001638. Inheritance: Various modes of inheritance.

Allele frequency attached by ClinVar (database versions not stated): gnomAD exomes below 0.00001; TOPMed below 0.00001; gnomAD 0.00001.
gnomAD v4.1: 2 of 1,614,044 alleles (0.00012%); highest among the groups gnomAD compares: Non-Finnish European, 0.00017%; no homozygotes.

Submissions (5):

Labcorp Genetics (formerly Invitae), Labcorp
Classification: Uncertain significance for Arrhythmogenic cardiomyopathy with wooly hair and keratoderma; Arrhythmogenic right ventricular dysplasia 8. Last evaluated: 2025-07-02. Review status: criteria provided, single submitter. Criteria: Invitae Variant Classification Sherloc (09022015). Collection method: clinical testing. Allele origin: germline.
Comment: This sequence change replaces glutamine, which is neutral and polar, with glutamic acid, which is acidic and polar, at codon 1672 of the DSP protein (p.Gln1672Glu). This variant is not present in population databases (gnomAD no frequency). This variant has not been reported in the literature in individuals affected with DSP-related conditions. ClinVar contains an entry for this variant (Variation ID: 191640). An algorithm developed to predict the effect of missense changes on protein structure and function (PolyPhen-2) suggests that this variant is likely to be tolerated. In summary, the available evidence is currently insufficient to determine the role of this variant in disease. Therefore, it has been classified as a Variant of Uncertain Significance.

Color Diagnostics, LLC DBA Color Health
Classification: Uncertain significance for Cardiomyopathy. Last evaluated: 2024-05-29. Review status: criteria provided, single submitter. Criteria: ACMG Guidelines, 2015. Collection method: clinical testing. Allele origin: germline.
Comment: This missense variant replaces glutamine with glutamic acid at codon 1672 of the DSP protein. Computational prediction suggests that this variant may not impact protein structure and function. To our knowledge, functional studies have not been reported for this variant. This variant has not been reported in individuals affected with DSP-related disorders in the literature. This variant has not been identified in the general population by the Genome Aggregation Database (gnomAD). The available evidence is insufficient to determine the role of this variant in disease conclusively. Therefore, this variant is classified as a Variant of Uncertain Significance.

All of Us Research Program, National Institutes of Health
Classification: Uncertain significance for Arrhythmogenic cardiomyopathy with wooly hair and keratoderma. Last evaluated: 2023-08-15. Review status: criteria provided, single submitter. Criteria: ACMG Guidelines, 2015. Collection method: clinical testing. Allele origin: germline. Inheritance: Autosomal dominant inheritance. Observed: 1 variant allele, 1 heterozygote.
Comment: This study involves interpretation of variants in research participants for the purpose of population health screening. Participant phenotype was not available at the time of variant classification. Additional details can be found in publication PMID: 35346344, PMCID: PMC8962531

Fulgent Genetics
Classification: Uncertain significance for Arrhythmogenic cardiomyopathy with wooly hair and keratoderma; Arrhythmogenic right ventricular dysplasia 8; Lethal acantholytic epidermolysis bullosa; Keratosis palmoplantaris striata 2; Cardiomyopathy, dilated, with wooly hair, keratoderma, and tooth agenesis. Last evaluated: 2022-04-25. Review status: criteria provided, single submitter. Criteria: ACMG Guidelines, 2015. Collection method: clinical testing. Allele origin: unknown.

Biesecker Lab/Clinical Genomics Section, National Institutes of Health
Classification: Uncertain significance. Last evaluated: 2013-06-24. Review status: criteria provided, single submitter. Criteria: Ng et al. (Circ Cardiovasc Genet. 2013). Collection method: research. Allele origin: unknown. Observed: 1 variant allele. Study: ClinSeq.
Comment: The study set was not selected for affection status in relation to any cancer. Pathogenicity categories were based on literature curation. See Pubmed ID:23861362 for details.

Medical sequencing